The following is an entry in ClinVar:

ClinVar aggregate classification (germline): Uncertain significance (1 of 4 stars; one submission).

Conditions:
Spermatogenic failure 18. Identifiers: MedGen C4539783, MONDO:0054615, OMIM 617576.
Ciliary dyskinesia, primary, 37 (CILD37). Also called: CILIARY DYSKINESIA, PRIMARY, 37, WITH OR WITHOUT SITUS INVERSUS. Identifiers: MedGen C4539798, MONDO:0033204, OMIM 617577.

Allele frequency attached by ClinVar (database versions not stated): gnomAD 0.00005 and 0.00006; ExAC 0.00003; gnomAD exomes below 0.00001 and 0.00002; TOPMed 0.00010.
gnomAD v4.1: 18 of 1,612,772 alleles (0.0011%); highest among the groups gnomAD compares: African/African-American, 0.017%; no homozygotes.

Submission:

Labcorp Genetics (formerly Invitae), Labcorp
Classification: Uncertain significance for Ciliary dyskinesia, primary, 37; Spermatogenic failure 18. Last evaluated: 2025-11-15. Review status: criteria provided, single submitter. Criteria: Invitae Variant Classification Sherloc (09022015). Collection method: clinical testing. Allele origin: germline.
Comment: This sequence change replaces methionine, which is neutral and non-polar, with valine, which is neutral and non-polar, at codon 994 of the DNAH1 protein (p.Met994Val). This variant is present in population databases (rs746647120, gnomAD 0.02%). This variant has not been reported in the literature in individuals affected with DNAH1-related conditions. ClinVar contains an entry for this variant (Variation ID: 1000810). Invitae Evidence Modeling of protein sequence and biophysical properties (such as structural, functional, and spatial information, amino acid conservation, physicochemical variation, residue mobility, and thermodynamic stability) indicates that this missense variant is not expected to disrupt DNAH1 protein function with a negative predictive value of 80%. In summary, the available evidence is currently insufficient to determine the role of this variant in disease. Therefore, it has been classified as a Variant of Uncertain Significance.

NM_015512.5(DNAH1):c.2980A>G (p.Met994Val)

Gene: DNAH1 (dynein axonemal heavy chain 1; plus strand). Cytogenetic location: 3p21.1.
Variant type: single nucleotide variant.
Coding change: c.2980A>G on transcript NM_015512.5 (MANE Select); coding-DNA position 2980, A replaced by G.
Protein change: p.Met994Val; replaces methionine 994 with valine.
Molecular consequence: missense variant.
Genome position (GRCh38, 1-based): chr3:52,352,660, A>G. VCF-style: chr3-52352660-A-G. GRCh37 (hg19) VCF-style: chr3-52386676-A-G.
Other names: short protein forms M994V.
Identifiers: ClinVar variation 1000810 (VCV001000810.5), dbSNP rs746647120, ClinGen allele CA2433445.